The following is an entry in ClinVar:

ClinVar aggregate classification (germline): Uncertain significance (1 of 4 stars; one submission).

gnomAD v4.1: 1 of 1,609,038 alleles (0.000062%); highest among the groups gnomAD compares: Admixed American, 0.0017%; no homozygotes.

Submission:

Labcorp Genetics (formerly Invitae), Labcorp
Classification: Uncertain significance. Last evaluated: 2023-04-03. Review status: criteria provided, single submitter. Criteria: Invitae Variant Classification Sherloc (09022015). Collection method: clinical testing. Allele origin: germline.
Comment: This sequence change replaces aspartic acid, which is acidic and polar, with glutamic acid, which is acidic and polar, at codon 55 of the PLA2G4A protein (p.Asp55Glu). This variant is not present in population databases (gnomAD no frequency). This variant has not been reported in the literature in individuals affected with PLA2G4A-related conditions. Advanced modeling of protein sequence and biophysical properties (such as structural, functional, and spatial information, amino acid conservation, physicochemical variation, residue mobility, and thermodynamic stability) performed at Invitae indicates that this missense variant is not expected to disrupt PLA2G4A protein function. In summary, the available evidence is currently insufficient to determine the role of this variant in disease. Therefore, it has been classified as a Variant of Uncertain Significance.

NM_024420.3(PLA2G4A):c.165C>G (p.Asp55Glu)

Gene: PLA2G4A (phospholipase A2 group IVA; plus strand). Cytogenetic location: 1q31.1.
Variant type: single nucleotide variant.
Coding change: c.165C>G on transcript NM_024420.3 (MANE Select); coding-DNA position 165, C replaced by G.
Protein change: p.Asp55Glu; replaces aspartic acid 55 with glutamic acid.
Molecular consequence: missense variant.
Genome position (GRCh38, 1-based): chr1:186,893,060, C>G. VCF-style: chr1-186893060-C-G. GRCh37 (hg19) VCF-style: chr1-186862192-C-G.
Other names: c.165C>G, p.Asp55Glu (NM_001311193.2); short protein forms D55E.
Identifiers: ClinVar variation 2776964 (VCV002776964.3), dbSNP rs1200427496, ClinGen allele CA344063214.